The following is an entry in ClinVar:

ClinVar aggregate classification (germline): Uncertain significance (1 of 4 stars; one submission).

Submission:

Dasa
Classification: Uncertain significance. Last evaluated: 2025-05-18. Review status: criteria provided, single submitter. Criteria: DASA Assertion Criteria. Collection method: clinical testing. Allele origin: germline.
Comment: NM_014727.3(KMT2B):c.233G>A (p.Arg78His) is a missense variant that results in the substitution of arginine with histidine. This variant is rare in population databases. Computational prediction algorithms are consistent with a benign effect. The currently available literature and clinical evidence are not sufficient to establish a definitive association between this variant and the reported condition. Therefore, this variant is classified as a variant of uncertain significance.

NM_014727.3(KMT2B):c.233G>A (p.Arg78His)

Gene: KMT2B (lysine methyltransferase 2B; plus strand). Cytogenetic location: 19q13.12.
Variant type: single nucleotide variant.
Coding change: c.233G>A on transcript NM_014727.3 (MANE Select); coding-DNA position 233, G replaced by A.
Protein change: p.Arg78His; replaces arginine 78 with histidine.
Molecular consequence: missense variant.
Genome position (GRCh38, 1-based): chr19:35,718,251, G>A. VCF-style: chr19-35718251-G-A. GRCh37 (hg19) VCF-style: chr19-36209153-G-A.
Other names: short protein forms R78H.
Identifiers: ClinVar variation 4886155 (VCV004886155.2).